The following is an entry in ClinVar:

ClinVar aggregate classification (germline): Conflicting classifications of pathogenicity. Review status: criteria provided, conflicting classifications (1 of 4 stars). 5 submissions from 5 submitters: Uncertain significance (4); Likely benign (1). Last evaluated 2025-03-07.

Conditions:
Myopathy, congenital, with structured cores and z-line abnormalities. Also called: CONGENITAL MYOPATHY 8; MULTIPLE STRUCTURED CORE DISEASE. Identifiers: MedGen C5231445, MONDO:0032852, OMIM 618654.
Dilated cardiomyopathy 1AA (CMD1AA). Also called: CARDIOMYOPATHY, DILATED, 1AA, WITH OR WITHOUT LEFT VENTRICULAR NONCOMPACTION; CARDIOMYOPATHY, FAMILIAL HYPERTROPHIC, 23, WITH OR WITHOUT LEFT VENTRICULAR NONCOMPACTION; Cardiomyopathy, dilated, 1AA, with or without LVNC. Identifiers: Orphanet 154, MedGen C2677338, MONDO:0012808, OMIM 612158.
Myopathy, distal, 6, adult-onset, autosomal dominant. Identifiers: MedGen C5203349, MONDO:0032853, OMIM 618655.
Primary familial hypertrophic cardiomyopathy (HCM). Identifiers: Orphanet 99739, MedGen C0949658, MeSH D024741, MONDO:0024573. Inheritance: Various modes of inheritance.
ACTN2-related disorder. Also called: ACTN2 related condition; ACTN2-related disorders.
Cardiovascular phenotype. Identifiers: MedGen CN230736.

Allele frequency attached by ClinVar (database versions not stated): gnomAD 0.00001; gnomAD exomes 0.00001 and 0.00002; TOPMed 0.00002; ExAC 0.00003.
gnomAD v4.1: 15 of 1,613,984 alleles (0.00093%); highest among the groups gnomAD compares: East Asian, 0.0045%; no homozygotes.

Submissions (5):

Labcorp Genetics (formerly Invitae), Labcorp
Classification: Likely benign for Primary familial hypertrophic cardiomyopathy; Dilated cardiomyopathy 1AA. Last evaluated: 2025-03-07. Review status: criteria provided, single submitter. Criteria: Invitae Variant Classification Sherloc (09022015). Collection method: clinical testing. Allele origin: germline.

PreventionGenetics, part of Exact Sciences
Classification: Uncertain significance for ACTN2-related condition. Last evaluated: 2022-09-14. Review status: criteria provided, single submitter. Criteria: ACMG Guidelines, 2015. Collection method: clinical testing. Allele origin: germline.
Comment: The ACTN2 c.2413G>A variant is predicted to result in the amino acid substitution p.Gly805Arg. To our knowledge, this variant has not been reported in the literature. This variant is reported in 0.0062% of alleles in individuals of African descent in gnomAD. At this time, the clinical significance of this variant is uncertain due to the absence of conclusive functional and genetic evidence.

Ambry Genetics
Classification: Uncertain significance for Cardiovascular phenotype. Last evaluated: 2022-03-23. Review status: criteria provided, single submitter. Criteria: Ambry Variant Classification Scheme 2023. Collection method: clinical testing. Allele origin: germline.
Comment: The p.G805R variant (also known as c.2413G>A), located in coding exon 20 of the ACTN2 gene, results from a G to A substitution at nucleotide position 2413. The glycine at codon 805 is replaced by arginine, an amino acid with dissimilar properties. This amino acid position is conserved. In addition, the in silico prediction for this alteration is inconclusive. Since supporting evidence is limited at this time, the clinical significance of this alteration remains unclear.

Fulgent Genetics
Classification: Uncertain significance for Dilated cardiomyopathy 1AA; Myopathy, congenital, with structured cores and z-line abnormalities; Myopathy, distal, 6, adult-onset, autosomal dominant. Last evaluated: 2021-08-05. Review status: criteria provided, single submitter. Criteria: ACMG Guidelines, 2015. Collection method: clinical testing. Allele origin: unknown.

GeneDx
Classification: Uncertain significance. Last evaluated: 2020-02-12. Review status: criteria provided, single submitter. Criteria: GeneDx Variant Classification Process June 2021. Collection method: clinical testing. Allele origin: germline. Affected: yes.
Comment: Has not been previously published as pathogenic or benign to our knowledge; Not observed at a significant frequency in large population cohorts (Lek et al., 2016); In silico analysis supports that this missense variant does not alter protein structure/function

NM_001103.4(ACTN2):c.2413G>A (p.Gly805Arg)

Gene: ACTN2 (actinin alpha 2; plus strand). Cytogenetic location: 1q43.
Variant type: single nucleotide variant.
Coding change: c.2413G>A on transcript NM_001103.4 (MANE Select); coding-DNA position 2413, G replaced by A.
Protein change: p.Gly805Arg; replaces glycine 805 with arginine.
Molecular consequence: missense variant.
Genome position (GRCh38, 1-based): chr1:236,761,060, G>A. VCF-style: chr1-236761060-G-A. GRCh37 (hg19) VCF-style: chr1-236924360-G-A.
Other names: c.2413G>A, p.Gly805Arg (NM_001278343.2); c.1789G>A, p.Gly597Arg (NM_001278344.2); short protein forms G597R, G805R.
Identifiers: ClinVar variation 934598 (VCV000934598.16), dbSNP rs769239899, ClinGen allele CA1473439.
Genomic context (GRCh38, chr1:236,761,060, plus strand): 5'-GCCACTTTGCCCCAGGGTGAAGCCGAATTTGCCCGCATTATGACCCTGGTAGATCCCAAC[G>A]GGCAAGGCACCGTCACCTTCCAATCCTTCATCGACTTCATGACTAGAGAGACGGCTGACA-3'
Protein context (NP_001094.1, residues 795-815): ARIMTLVDPN[Gly805Arg]QGTVTFQSFI